The following is an entry in ClinVar:

ClinVar aggregate classification (germline): Uncertain significance. Review status: criteria provided, multiple submitters, no conflicts (2 of 4 stars). 2 submissions from 2 submitters: Uncertain significance (2). Last evaluated 2025-03-05.

Allele frequency attached by ClinVar (database versions not stated): gnomAD 0.00001; ESP Exome Variant Server 0.00008; ExAC 0.00001; TOPMed 0.00003.
gnomAD v4.1: 1 of 1,613,732 alleles (0.000062%); highest among the groups gnomAD compares: Admixed American, 0.0017%; no homozygotes.

Submissions (2):

Labcorp Genetics (formerly Invitae), Labcorp
Classification: Uncertain significance. Last evaluated: 2025-03-05. Review status: criteria provided, single submitter. Criteria: Invitae Variant Classification Sherloc (09022015). Collection method: clinical testing. Allele origin: germline.
Comment: This sequence change replaces tyrosine, which is neutral and polar, with aspartic acid, which is acidic and polar, at codon 2798 of the HMCN1 protein (p.Tyr2798Asp). This variant is not present in population databases (gnomAD no frequency). This variant has not been reported in the literature in individuals affected with HMCN1-related conditions. ClinVar contains an entry for this variant (Variation ID: 2598111). An algorithm developed to predict the effect of missense changes on protein structure and function (PolyPhen-2) suggests that this variant is likely to be disruptive. In summary, the available evidence is currently insufficient to determine the role of this variant in disease. Therefore, it has been classified as a Variant of Uncertain Significance.

Ambry Genetics
Classification: Uncertain significance. Last evaluated: 2023-08-08. Review status: criteria provided, single submitter. Criteria: Ambry Variant Classification Scheme 2023. Collection method: clinical testing. Allele origin: germline.

NM_031935.3(HMCN1):c.8392T>G (p.Tyr2798Asp)

Gene: HMCN1 (hemicentin 1; plus strand). Cytogenetic location: 1q31.1.
Variant type: single nucleotide variant.
Coding change: c.8392T>G on transcript NM_031935.3 (MANE Select); coding-DNA position 8392, T replaced by G.
Protein change: p.Tyr2798Asp; replaces tyrosine 2798 with aspartic acid.
Molecular consequence: missense variant.
Genome position (GRCh38, 1-based): chr1:186,076,529, T>G. VCF-style: chr1-186076529-T-G. GRCh37 (hg19) VCF-style: chr1-186045661-T-G.
Other names: short protein forms Y2798D.
Identifiers: ClinVar variation 2598111 (VCV002598111.3), dbSNP rs375213614, ClinGen allele CA1293106.